The following is an entry in ClinVar:

ClinVar aggregate classification (germline): Uncertain significance. Review status: criteria provided, multiple submitters, no conflicts (2 of 4 stars). 2 submissions from 2 submitters: Uncertain significance (2). Last evaluated 2025-11-26.

Allele frequency attached by ClinVar (database versions not stated): ExAC 0.00001; gnomAD 0.00001; gnomAD exomes 0.00001; TOPMed 0.00002.
gnomAD v4.1: 9 of 1,613,808 alleles (0.00056%); highest among the groups gnomAD compares: Admixed American, 0.0067%; no homozygotes.

Submissions (2):

Ambry Genetics
Classification: Uncertain significance. Last evaluated: 2025-11-26. Review status: criteria provided, single submitter. Criteria: Ambry Variant Classification Scheme 2023. Collection method: clinical testing. Allele origin: germline.

Labcorp Genetics (formerly Invitae), Labcorp
Classification: Uncertain significance. Last evaluated: 2020-05-14. Review status: criteria provided, single submitter. Criteria: Invitae Variant Classification Sherloc (09022015). Collection method: clinical testing. Allele origin: germline.
Comment: In summary, the available evidence is currently insufficient to determine the role of this variant in disease. Therefore, it has been classified as a Variant of Uncertain Significance. Algorithms developed to predict the effect of missense changes on protein structure and function are either unavailable or do not agree on the potential impact of this missense change (SIFT: "Deleterious"; PolyPhen-2: "Benign"; Align-GVGD: "Class C0"). This variant has not been reported in the literature in individuals with KIAA1109-related conditions. This variant is present in population databases (rs756711551, ExAC 0.009%). This sequence change replaces aspartic acid with glycine at codon 1274 of the KIAA1109 protein (p.Asp1274Gly). The aspartic acid residue is weakly conserved and there is a moderate physicochemical difference between aspartic acid and glycine.

NM_001384125.1(BLTP1):c.3821A>G (p.Asp1274Gly)

Gene: BLTP1 (bridge-like lipid transfer protein family member 1; plus strand). Cytogenetic location: 4q27.
Variant type: single nucleotide variant.
Coding change: c.3821A>G on transcript NM_001384125.1 (MANE Select); coding-DNA position 3821, A replaced by G.
Protein change: p.Asp1274Gly; replaces aspartic acid 1274 with glycine.
Molecular consequence: missense variant.
Genome position (GRCh38, 1-based): chr4:122,238,338, A>G. VCF-style: chr4-122238338-A-G. GRCh37 (hg19) VCF-style: chr4-123159493-A-G.
Other names: c.3821A>G, p.Asp1274Gly (NM_015312.4); c.3821A>G (NM_015312.3); short protein forms D1274G.
Identifiers: ClinVar variation 1022105 (VCV001022105.6), dbSNP rs756711551, ClinGen allele CA3066237.
Genomic context (GRCh38, chr4:122,238,338, plus strand): 5'-CATCTGTTGCTGATGACCATTTGGTTCAAAAAGAGTTCTTGCATGGGACAAAAAGAGATG[A>G]TGGCCAAGCAAGGTCAGTATTCACTTAGATTTAGAAGCCTGATCATAAATAGGATTATAA-3'
Protein context (NP_001371054.1, residues 1264-1284): KEFLHGTKRD[Asp1274Gly]GQASIPTEIS